The following is an entry in ClinVar:

ClinVar aggregate classification (germline): Uncertain significance (1 of 4 stars; one submission).

Conditions:
Autism (AUTS). Also called: Autistic disorder of childhood onset; Autistic disorder. Identifiers: MedGen C0004352, MeSH D001321, MONDO:0005260, OMIM 209850, HP:0000717.

Submission:

Foundation for Research in Genetics and Endocrinology, FRIGE's Institute of Human Genetics
Classification: Uncertain significance for Autism. Last evaluated: 2022-05-13. Review status: criteria provided, single submitter. Criteria: ACMG Guidelines, 2015. Collection method: clinical testing. Allele origin: germline. Observed: 1 heterozygote.
Comment: Heterozygous variants in exon-7 of TAOK2 gene. The variant has not been reported in the 1000 genomes and gnomAD databases. The in silico prediction of the variant is benign by PolyPhen-2 (HumDiv), SIFT, LRT and MutationTaster2. The reference codon is conserved across species. In summary, the variant meets our criteria to be classified as a variant of uncertain significance.

NM_016151.4(TAOK2):c.492A>T (p.Leu164Phe)

Gene: TAOK2 (TAO kinase 2; plus strand). Cytogenetic location: 16p11.2.
Variant type: single nucleotide variant.
Coding change: c.492A>T on transcript NM_016151.4 (MANE Select); coding-DNA position 492, A replaced by T.
Protein change: p.Leu164Phe; replaces leucine 164 with phenylalanine.
Molecular consequence: missense variant.
Genome position (GRCh38, 1-based): chr16:29,979,237, A>T. VCF-style: chr16-29979237-A-T. GRCh37 (hg19) VCF-style: chr16-29990558-A-T.
Other names: p.Leu164Phe; c.492A>T, p.Leu164Phe (NM_001252043.2, NM_004783.4); short protein forms L164F.
Identifiers: ClinVar variation 1707606 (VCV001707606.3), dbSNP rs2543610796, ClinGen allele CA395472099.
Genomic context (GRCh38, chr16:29,979,237, plus strand): 5'-GTACTTTGCCTCTGGCAGGGATGTGAAGGCTGGAAACATCCTGCTGTCAGAGCCAGGGTT[A>T]GTGAAGCTAGGGGACTTTGGTTCTGCGTCCATCATGGCACCTGCCAACTCCTTCGTGGGC-3'
Protein context (NP_057235.2, residues 154-174): AGNILLSEPG[Leu164Phe]VKLGDFGSAS